The following is an entry in ClinVar:

ClinVar aggregate classification (germline): Uncertain significance. Review status: criteria provided, multiple submitters, no conflicts (2 of 4 stars). 2 submissions from 2 submitters: Uncertain significance (2). Last evaluated 2025-06-02.

Conditions:
Hereditary cancer-predisposing syndrome. Also called: Neoplastic Syndromes, Hereditary; Hereditary neoplastic syndrome; Tumor predisposition; Hereditary Cancer Syndrome. Identifiers: Orphanet 140162, MedGen C0027672, MeSH D009386, MONDO:0015356.

Submissions (2):

Quest Diagnostics Nichols Institute San Juan Capistrano
Classification: Uncertain significance. Last evaluated: 2025-06-02. Review status: criteria provided, single submitter. Criteria: Quest Diagnostics criteria. Collection method: clinical testing. Allele origin: unknown.
Comment: The RAD50 c.983A>C (p.Glu328Ala) variant has not been reported in individuals with RAD50-related conditions in the published literature. It also has not been reported in large, multi-ethnic general populations (Genome Aggregation Database). Analysis of this variant using bioinformatics tools for the prediction of the effect of amino acid changes on protein structure and function yielded predictions that this variant is benign. Based on the available information, we are unable to determine the clinical significance of this variant.

Labcorp Genetics (formerly Invitae), Labcorp
Classification: Uncertain significance for Hereditary cancer-predisposing syndrome. Last evaluated: 2023-08-27. Review status: criteria provided, single submitter. Criteria: Invitae Variant Classification Sherloc (09022015). Collection method: clinical testing. Allele origin: germline.
Comment: In summary, the available evidence is currently insufficient to determine the role of this variant in disease. Therefore, it has been classified as a Variant of Uncertain Significance. Advanced modeling of protein sequence and biophysical properties (such as structural, functional, and spatial information, amino acid conservation, physicochemical variation, residue mobility, and thermodynamic stability) has been performed at Invitae for this missense variant, however the output from this modeling did not meet the statistical confidence thresholds required to predict the impact of this variant on RAD50 protein function. This variant has not been reported in the literature in individuals affected with RAD50-related conditions. This variant is not present in population databases (gnomAD no frequency). This sequence change replaces glutamic acid, which is acidic and polar, with alanine, which is neutral and non-polar, at codon 328 of the RAD50 protein (p.Glu328Ala).

NM_005732.4(RAD50):c.983A>C (p.Glu328Ala)

Gene: RAD50 (RAD50 double strand break repair protein; plus strand). Cytogenetic location: 5q31.1.
Variant type: single nucleotide variant.
Coding change: c.983A>C on transcript NM_005732.4 (MANE Select); coding-DNA position 983, A replaced by C.
Protein change: p.Glu328Ala; replaces glutamic acid 328 with alanine.
Molecular consequence: missense variant.
Genome position (GRCh38, 1-based): chr5:132,588,021, A>C. VCF-style: chr5-132588021-A-C. GRCh37 (hg19) VCF-style: chr5-131923713-A-C.
Other names: short protein forms E328A.
Identifiers: ClinVar variation 2682068 (VCV002682068.5), dbSNP rs1554098198, ClinGen allele CA360941274.